The following is an entry in ClinVar:

NM_030957.4(ADAMTS10):c.623_633del (p.Trp208fs)

Gene: ADAMTS10 (ADAM metallopeptidase with thrombospondin type 1 motif 10; minus strand). Cytogenetic location: 19p13.2.
Variant type: Deletion.
Coding change: c.623_633del on transcript NM_030957.4 (MANE Select); coding-DNA positions 623 to 633, 11 bases deleted (GGCTGCGGACC).
Protein change: p.Trp208fs; shifts the reading frame from tryptophan 208.
Molecular consequence: frameshift variant.
Genome position (GRCh38, 1-based): chr19:8,601,105-8,601,115, GGTCCGCAGCC deleted on the plus strand (GGCTGCGGACC on the coding strand, the reverse complement: ADAMTS10 is on the minus strand). VCF-style (leftmost placement, unchanged base first): chr19-8601104-AGGTCCGCAGCC-A. GRCh37 (hg19) VCF-style: chr19-8665988-AGGTCCGCAGCC-A.
Other names: short protein forms W208fs.
Identifiers: ClinVar variation 1414363 (VCV001414363.6), dbSNP rs2146093747, ClinGen allele CA2573155949.

ClinVar aggregate classification (germline): Pathogenic (1 of 4 stars; one submission).

Submission:

Labcorp Genetics (formerly Invitae), Labcorp
Classification: Pathogenic. Last evaluated: 2021-04-14. Review status: criteria provided, single submitter. Criteria: Invitae Variant Classification Sherloc (09022015). Collection method: clinical testing. Allele origin: germline.
Comment: This sequence change creates a premature translational stop signal (p.Trp208Phefs*12) in the ADAMTS10 gene. It is expected to result in an absent or disrupted protein product. Loss-of-function variants in ADAMTS10 are known to be pathogenic (PMID: 15368195, 18567016). This variant is not present in population databases (ExAC no frequency). This variant has not been reported in the literature in individuals with ADAMTS10-related conditions. For these reasons, this variant has been classified as Pathogenic.

Literature cited by the submitters: PubMed 15368195; PubMed 18567016.